The following is an entry in ClinVar:

ClinVar aggregate classification (germline): Likely benign (1 of 4 stars; one submission).

Submission:

CeGaT Center for Human Genetics Tuebingen
Classification: Likely benign. Last evaluated: 2025-02-01. Review status: criteria provided, single submitter. Criteria: CeGaT Center For Human Genetics Tuebingen Variant Classification Criteria Version 2. Collection method: clinical testing. Allele origin: germline. Affected: yes. Observed: 1 variant allele.
Comment: ENOSF1: PM2:Supporting, BP4, BP7

NM_017512.7(ENOSF1):c.492C>T (p.Ala164=)

Gene: ENOSF1 (enolase superfamily member 1; minus strand). Cytogenetic location: 18p11.32.
Variant type: single nucleotide variant.
Coding change: c.492C>T on transcript NM_017512.7 (MANE Select); coding-DNA position 492, C replaced by T.
Protein change: p.Ala164=; no amino-acid change (alanine 164 retained).
Molecular consequence: synonymous variant. On other transcripts: non-coding transcript variant (5), intron variant (2).
Genome position (GRCh38, 1-based): chr18:691,208, G>A on the plus strand (C>T on the coding strand, the complement: ENOSF1 is on the minus strand). VCF-style: chr18-691208-G-A. GRCh37 (hg19) VCF-style: chr18-691208-G-A.
Other names: c.246C>T, p.Ala82= (NM_001354065.2); c.492C>T, p.Ala164= (NM_001354066.2); c.636C>T, p.Ala212= (NM_001354067.2, NM_202758.5); c.-122-463C>T (NM_001318760.2); c.452-102C>T (NM_001354068.2).
Identifiers: ClinVar variation 3771466 (VCV003771466.13).